The following is an entry in ClinVar:

ClinVar aggregate classification (germline): Uncertain significance. Review status: criteria provided, multiple submitters, no conflicts (2 of 4 stars). 2 submissions from 2 submitters: Uncertain significance (2). Last evaluated 2025-01-15.

Allele frequency attached by ClinVar (database versions not stated): TOPMed below 0.00001; gnomAD exomes 0.00001; ESP Exome Variant Server 0.00008.
gnomAD v4.1: 21 of 1,614,136 alleles (0.0013%); highest among the groups gnomAD compares: Non-Finnish European, 0.0018%; no homozygotes.

Submissions (2):

Ambry Genetics
Classification: Uncertain significance. Last evaluated: 2025-01-15. Review status: criteria provided, single submitter. Criteria: Ambry Variant Classification Scheme 2023. Collection method: clinical testing. Allele origin: germline.

Labcorp Genetics (formerly Invitae), Labcorp
Classification: Uncertain significance. Last evaluated: 2023-05-22. Review status: criteria provided, single submitter. Criteria: Invitae Variant Classification Sherloc (09022015). Collection method: clinical testing. Allele origin: germline.
Comment: This sequence change replaces valine, which is neutral and non-polar, with methionine, which is neutral and non-polar, at codon 231 of the LRRC8A protein (p.Val231Met). This variant has not been reported in the literature in individuals affected with LRRC8A-related conditions. This variant is present in population databases (rs371749144, gnomAD 0.002%). In summary, the available evidence is currently insufficient to determine the role of this variant in disease. Therefore, it has been classified as a Variant of Uncertain Significance. An algorithm developed to predict the effect of missense changes on protein structure and function (PolyPhen-2) suggests that this variant is likely to be disruptive.

NM_019594.4(LRRC8A):c.691G>A (p.Val231Met)

Gene: LRRC8A (leucine rich repeat containing 8 VRAC subunit A; plus strand). Cytogenetic location: 9q34.11.
Variant type: single nucleotide variant.
Coding change: c.691G>A on transcript NM_019594.4 (MANE Select); coding-DNA position 691, G replaced by A.
Protein change: p.Val231Met; replaces valine 231 with methionine.
Molecular consequence: missense variant.
Genome position (GRCh38, 1-based): chr9:128,907,855, G>A. VCF-style: chr9-128907855-G-A. GRCh37 (hg19) VCF-style: chr9-131670134-G-A.
Other names: c.691G>A, p.Val231Met (NM_001127244.2, NM_001127245.2); c.691G>A (NM_001127244.1); short protein forms V231M.
Identifiers: ClinVar variation 2717420 (VCV002717420.4), dbSNP rs371749144, ClinGen allele CA200415028.